The following is an entry in ClinVar:

ClinVar aggregate classification (germline): Likely benign (0 of 4 stars; one submission).

Conditions:
DNAH6-related disorder. Also called: DNAH6-related condition.

gnomAD v4.1: 1 of 1,551,366 alleles (0.000064%); highest among the groups gnomAD compares: Non-Finnish European, 0.000087%; no homozygotes.

Submission:

PreventionGenetics, part of Exact Sciences
Classification: Likely benign for DNAH6-related condition. Last evaluated: 2022-08-07. Review status: no assertion criteria provided. Collection method: clinical testing. Allele origin: germline.
Comment: This variant is classified as likely benign based on ACMG/AMP sequence variant interpretation guidelines (Richards et al. 2015 PMID: 25741868, with internal and published modifications).

NM_001370.2(DNAH6):c.6843T>C (p.Ser2281=)

Gene: DNAH6 (dynein axonemal heavy chain 6; plus strand). Cytogenetic location: 2p11.2.
Variant type: single nucleotide variant.
Coding change: c.6843T>C on transcript NM_001370.2 (MANE Select); coding-DNA position 6843, T replaced by C.
Protein change: p.Ser2281=; no amino-acid change (serine 2281 retained).
Molecular consequence: synonymous variant.
Genome position (GRCh38, 1-based): chr2:84,681,455, T>C. VCF-style: chr2-84681455-T-C. GRCh37 (hg19) VCF-style: chr2-84908579-T-C.
Identifiers: ClinVar variation 3048169 (VCV003048169.2), dbSNP rs1693766544, ClinGen allele CA427119482.